The following is an entry in ClinVar:

ClinVar aggregate classification (germline): Pathogenic. Review status: criteria provided, multiple submitters, no conflicts (2 of 4 stars). 2 submissions from 2 submitters: Pathogenic (2). Last evaluated 2024-11-09.

Conditions:
Mitochondrial complex II deficiency, nuclear type 1. Also called: SUCCINATE CoQ REDUCTASE DEFICIENCY. Identifiers: Orphanet 3208, MedGen C5700310, MONDO:0100294, OMIM 252011.
Pheochromocytoma/paraganglioma syndrome 5. Also called: Paragangliomas 5; SDHA-Related Hereditary Paraganglioma-Pheochromocytoma Syndrome. Identifiers: Orphanet 29072, MedGen C3279992, MONDO:0013602, OMIM 614165.
Hereditary cancer-predisposing syndrome. Also called: Tumor predisposition; Hereditary Cancer Syndrome; Hereditary neoplastic syndrome; Neoplastic Syndromes, Hereditary. Identifiers: Orphanet 140162, MedGen C0027672, MeSH D009386, MONDO:0015356.

Submissions (2):

Ambry Genetics
Classification: Pathogenic for Hereditary cancer-predisposing syndrome. Last evaluated: 2024-11-09. Review status: criteria provided, single submitter. Criteria: Ambry Variant Classification Scheme 2023. Collection method: clinical testing. Allele origin: germline.
Comment: The c.1245dupC pathogenic mutation, located in coding exon 9 of the SDHA gene, results from a duplication of C at nucleotide position 1245, causing a translational frameshift with a predicted alternate stop codon (p.N416Qfs*65). This variant is considered to be rare based on population cohorts in the Genome Aggregation Database (gnomAD). This alteration is expected to result in loss of function by premature protein truncation or nonsense-mediated mRNA decay. As such, this alteration is interpreted as a disease-causing mutation.

Labcorp Genetics (formerly Invitae), Labcorp
Classification: Pathogenic for Pheochromocytoma/paraganglioma syndrome 5; Mitochondrial complex II deficiency, nuclear type 1. Last evaluated: 2024-04-02. Review status: criteria provided, single submitter. Criteria: Invitae Variant Classification Sherloc (09022015). Collection method: clinical testing. Allele origin: germline.
Comment: This sequence change creates a premature translational stop signal (p.Asn416Glnfs*65) in the SDHA gene. It is expected to result in an absent or disrupted protein product. Loss-of-function variants in SDHA are known to be pathogenic (PMID: 22974104, 24781757). This variant is not present in population databases (gnomAD no frequency). This variant has not been reported in the literature in individuals affected with SDHA-related conditions. ClinVar contains an entry for this variant (Variation ID: 1357420). Algorithms developed to predict the effect of sequence changes on RNA splicing suggest that this variant may disrupt the consensus splice site. For these reasons, this variant has been classified as Pathogenic.

Literature cited by the submitters: PubMed 22974104 (cited by Labcorp Genetics (formerly Invitae), Labcorp); PubMed 24781757 (cited by Labcorp Genetics (formerly Invitae), Labcorp).

NM_004168.4(SDHA):c.1245dup (p.Asn416fs)

Gene: SDHA (succinate dehydrogenase complex flavoprotein subunit A; plus strand). Cytogenetic location: 5p15.33.
Variant type: Duplication.
Coding change: c.1245dup on transcript NM_004168.4 (MANE Select); coding-DNA position 1245, one base duplicated (C; older notation c.1245dupC).
Protein change: p.Asn416fs; shifts the reading frame from asparagine 416.
Molecular consequence: frameshift variant.
Genome position (GRCh38, 1-based): chr5:235,324, C duplicated; the last of 2 consecutive C bases (chr5:235,323-235,324); duplicating either gives the same sequence. VCF-style (leftmost placement, unchanged base first): chr5-235322-A-AC. GRCh37 (hg19) VCF-style: chr5-235437-A-AC.
Other names: c.1245dupC (NM_004168.2); c.1101dup, p.Asn368fs (NM_001294332.2); c.1245dup, p.Asn416fs (NM_001330758.2); short protein forms N368fs, N416fs.
Identifiers: ClinVar variation 1357420 (VCV001357420.7), dbSNP rs2126585710, ClinGen allele CA2573139520.
Genomic context (GRCh38, chr5:235,322, plus strand): 5'-GTCACGAAGGAGCCGATCCCTGTCCTCCCCACCGTGCATTATAACATGGGCGGCATTCCC[A>AC]CCAACTACAAGGGGCAGGTGATGGTGCTGGCTCCTCCCCCACAGCTGGAAAGAAGGCTGG-3'